The following is an entry in ClinVar:

NM_017672.6(TRPM7):c.1400A>C (p.Lys467Thr)

Gene: TRPM7 (transient receptor potential cation channel subfamily M member 7; minus strand). Cytogenetic location: 15q21.2.
Variant type: single nucleotide variant.
Coding change: c.1400A>C on transcript NM_017672.6 (MANE Select); coding-DNA position 1400, A replaced by C.
Protein change: p.Lys467Thr; replaces lysine 467 with threonine.
Molecular consequence: missense variant. On other transcripts: non-coding transcript variant (3).
Genome position (GRCh38, 1-based): chr15:50,624,206, T>G on the plus strand (A>C on the coding strand, the complement: TRPM7 is on the minus strand). VCF-style: chr15-50624206-T-G. GRCh37 (hg19) VCF-style: chr15-50916403-T-G.
Other names: c.1400A>C, p.Lys467Thr (NM_001301212.2); short protein forms K467T.
Identifiers: ClinVar variation 1702728 (VCV001702728.2), dbSNP rs2140580333, ClinGen allele CA392413048.

ClinVar aggregate classification (germline): Uncertain significance (1 of 4 stars; one submission).

Allele frequency attached by ClinVar (database versions not stated): gnomAD exomes below 0.00001.
gnomAD v4.1: 1 of 1,612,576 alleles (0.000062%); highest among the groups gnomAD compares: Non-Finnish European, 0.000085%; no homozygotes.

Submission:

GeneDx
Classification: Uncertain significance. Last evaluated: 2022-02-21. Review status: criteria provided, single submitter. Criteria: GeneDx Variant Classification Process June 2021. Collection method: clinical testing. Allele origin: germline. Affected: yes.
Comment: Not observed at significant frequency in large population cohorts (gnomAD); In silico analysis supports that this missense variant has a deleterious effect on protein structure/function; Has not been previously published as pathogenic or benign to our knowledge; Variants in candidate genes are classified as variants of uncertain significance in accordance with ACMG guidelines (Richards et al., 2015)